The following is an entry in ClinVar:

ClinVar aggregate classification (germline): Likely benign (1 of 4 stars; one submission).

Allele frequency attached by ClinVar (database versions not stated): TOPMed 0.00002; gnomAD 0.00005; gnomAD exomes 0.00009; ExAC 0.00016; 1000 Genomes Project 0.00040; 1000 Genomes Project 30x 0.00047.
gnomAD v4.1: 135 of 1,614,184 alleles (0.0084%); highest among the groups gnomAD compares: South Asian, 0.14%; no homozygotes.

Submission:

CeGaT Center for Human Genetics Tuebingen
Classification: Likely benign. Last evaluated: 2023-04-01. Review status: criteria provided, single submitter. Criteria: CeGaT Center For Human Genetics Tuebingen Variant Classification Criteria Version 2. Collection method: clinical testing. Allele origin: germline. Affected: yes. Observed: 1 variant allele.
Comment: ZNF16: BP4, BP7

NM_006958.3(ZNF16):c.351C>T (p.Asp117=)

Gene: ZNF16 (zinc finger protein 16; minus strand). Cytogenetic location: 8q24.3.
Variant type: single nucleotide variant.
Coding change: c.351C>T on transcript NM_006958.3 (MANE Select); coding-DNA position 351, C replaced by T.
Protein change: p.Asp117=; no amino-acid change (aspartic acid 117 retained).
Molecular consequence: synonymous variant. On other transcripts: 5 prime UTR variant (1).
Genome position (GRCh38, 1-based): chr8:144,932,436, G>A on the plus strand (C>T on the coding strand, the complement: ZNF16 is on the minus strand). VCF-style: chr8-144932436-G-A. GRCh37 (hg19) VCF-style: chr8-146157822-G-A.
Other names: c.351C>T, p.Asp117= (NM_001029976.3, NM_001413564.1, NM_001413565.1 and 1 more transcripts); c.-70C>T (NM_001413567.1).
Identifiers: ClinVar variation 2659003 (VCV002659003.24), dbSNP rs560521884, ClinGen allele CA4954478.
Genomic context (GRCh38, chr8:144,932,436, plus strand): 5'-TGTGAAGTCCCCCTCCTGGGAGAGGGACTGTGGCAGCCTCCTGCCTTCGGGGACTCCCCA[G>A]TCTCTTTCTGATACATCATCACACAGATCTCCAAGCTCGGGTACCTGGGAAACATCACCA-3'
Protein context (NP_008889.2, residues 107-127): GDLCDDVSER[Asp117=]WGVPEGRRLP